The following is an entry in ClinVar:

ClinVar aggregate classification (germline): Uncertain significance (1 of 4 stars; one submission).

Conditions:
Fibrous dysplasia of jaw (CRBM). Also called: Cherubism. Identifiers: Orphanet 184, MedGen C0008029, MONDO:0007315, OMIM 118400.

Allele frequency attached by ClinVar (database versions not stated): gnomAD exomes below 0.00001 and 0.00001; ExAC 0.00001; gnomAD 0.00001.
gnomAD v4.1: 9 of 1,613,962 alleles (0.00056%); highest among the groups gnomAD compares: Non-Finnish European, 0.00076%; no homozygotes.

Submission:

Labcorp Genetics (formerly Invitae), Labcorp
Classification: Uncertain significance for Fibrous dysplasia of jaw. Last evaluated: 2023-12-19. Review status: criteria provided, single submitter. Criteria: Invitae Variant Classification Sherloc (09022015). Collection method: clinical testing. Allele origin: germline.
Comment: This sequence change replaces histidine, which is basic and polar, with asparagine, which is neutral and polar, at codon 54 of the SH3BP2 protein (p.His54Asn). This variant is not present in population databases (gnomAD no frequency). This variant has not been reported in the literature in individuals affected with SH3BP2-related conditions. ClinVar contains an entry for this variant (Variation ID: 1509575). Advanced modeling of protein sequence and biophysical properties (such as structural, functional, and spatial information, amino acid conservation, physicochemical variation, residue mobility, and thermodynamic stability) performed at Invitae indicates that this missense variant is not expected to disrupt SH3BP2 protein function with a negative predictive value of 80%. In summary, the available evidence is currently insufficient to determine the role of this variant in disease. Therefore, it has been classified as a Variant of Uncertain Significance.

NM_001122681.2(SH3BP2):c.160C>A (p.His54Asn)

Gene: SH3BP2 (SH3 domain binding protein 2; plus strand). Cytogenetic location: 4p16.3.
Variant type: single nucleotide variant.
Coding change: c.160C>A on transcript NM_001122681.2 (MANE Select); coding-DNA position 160, C replaced by A.
Protein change: p.His54Asn; replaces histidine 54 with asparagine.
Molecular consequence: missense variant.
Genome position (GRCh38, 1-based): chr4:2,822,958, C>A. VCF-style: chr4-2822958-C-A. GRCh37 (hg19) VCF-style: chr4-2824685-C-A.
Other names: c.244C>A, p.His82Asn (NM_001145855.2); c.331C>A, p.His111Asn (NM_001145856.2); c.160C>A, p.His54Asn (NM_003023.4); short protein forms H111N, H54N, H82N.
Identifiers: ClinVar variation 1509575 (VCV001509575.8), dbSNP rs765023340, ClinGen allele CA2818926.